The following is an entry in ClinVar:

NM_000138.5(FBN1):c.5938G>C (p.Glu1980Gln)

Gene: FBN1 (fibrillin 1; minus strand). Cytogenetic location: 15q21.1.
Variant type: single nucleotide variant.
Coding change: c.5938G>C on transcript NM_000138.5 (MANE Select); coding-DNA position 5938, G replaced by C.
Protein change: p.Glu1980Gln; replaces glutamic acid 1980 with glutamine.
Molecular consequence: missense variant.
Genome position (GRCh38, 1-based): chr15:48,444,640, C>G on the plus strand (G>C on the coding strand, the complement: FBN1 is on the minus strand). VCF-style: chr15-48444640-C-G. GRCh37 (hg19) VCF-style: chr15-48736837-C-G.
Other names: short protein forms E1980Q.
Identifiers: ClinVar variation 1388574 (VCV001388574.10), dbSNP rs370940450, ClinGen allele CA055888.

ClinVar aggregate classification (germline): Conflicting classifications of pathogenicity. Review status: criteria provided, conflicting classifications (1 of 4 stars). 3 submissions from 3 submitters: Uncertain significance (2); Likely benign (1). Last evaluated 2025-01-20.

Conditions:
Geleophysic dysplasia 2 (GPHYSD2). Identifiers: Orphanet 2623, MedGen C3280054, MONDO:0013612, OMIM 614185.
Acromicric dysplasia (ACMICD). Also called: Acromicric skeletal dysplasia. Identifiers: Orphanet 969, MedGen C0265287, MONDO:0007055, OMIM 102370.
Weill-Marchesani syndrome 2, dominant. Also called: FBN1-Related Weill-Marchesani Syndrome; Weill-Marchesani Syndrome, Autosomal Dominant. Identifiers: Orphanet 2084, MedGen C1869115, MONDO:0012013, OMIM 608328.
Marfan syndrome (MFS). Also called: Marfan syndrome type 1; Marfan's syndrome; FBN1-Related Marfan Syndrome; MARFAN SYNDROME, TYPE I; Marfan syndrome, classic. Identifiers: Orphanet 284963, Orphanet 558, MedGen C0024796, MONDO:0007947, OMIM 154700.
Ectopia lentis 1, isolated, autosomal dominant (ECTOL1). Identifiers: Orphanet 1885, MedGen C3541518, MONDO:0007514, OMIM 129600.
Progeroid and marfanoid aspect-lipodystrophy syndrome. Also called: MARFANOID-PROGEROID-LIPODYSTROPHY SYNDROME; MARFANOID-PROGEROID SYNDROME; MARFAN-PROGEROID-LIPODYSTROPHY SYNDROME; Marfan lipodystrophy syndrome. Identifiers: Orphanet 300382, MedGen C4310796, MONDO:0014831, OMIM 616914.
Stiff skin syndrome (SSKS). Identifiers: Orphanet 2833, MedGen C1861456, MONDO:0008492, OMIM 184900.
MASS syndrome (OCTD). Also called: MASS PHENOTYPE; OVERLAP CONNECTIVE TISSUE DISEASE. Identifiers: MedGen C1858556, MONDO:0011431, OMIM 604308.
Familial thoracic aortic aneurysm and aortic dissection (TAAD). Also called: Thoracic aortic aneurysms and dissections. Identifiers: Orphanet 91387, MedGen C4707243, MONDO:0019625.

Allele frequency attached by ClinVar (database versions not stated): ExAC 0.00001; ESP Exome Variant Server 0.00008; gnomAD exomes below 0.00001 and 0.00001.
gnomAD v4.1: 3 of 1,613,322 alleles (0.00019%); highest among the groups gnomAD compares: Non-Finnish European, 0.00025%; no homozygotes.

Submissions (3):

Labcorp Genetics (formerly Invitae), Labcorp
Classification: Likely benign for Marfan syndrome; Familial thoracic aortic aneurysm and aortic dissection. Last evaluated: 2025-01-20. Review status: criteria provided, single submitter. Criteria: Invitae Variant Classification Sherloc (09022015). Collection method: clinical testing. Allele origin: germline.

All of Us Research Program, National Institutes of Health
Classification: Uncertain significance for Marfan syndrome. Last evaluated: 2023-10-30. Review status: criteria provided, single submitter. Criteria: ACMG Guidelines, 2015. Collection method: clinical testing. Allele origin: germline. Inheritance: Autosomal dominant inheritance. Observed: 2 variant alleles, 2 heterozygotes.
Comment: This study involves interpretation of variants in research participants for the purpose of population health screening. Participant phenotype was not available at the time of variant classification. Additional details can be found in publication PMID: 35346344, PMCID: PMC8962531

Fulgent Genetics
Classification: Uncertain significance for Acromicric dysplasia; Ectopia lentis 1, isolated, autosomal dominant; Marfan syndrome; Stiff skin syndrome; MASS syndrome; Weill-Marchesani syndrome 2, dominant; Geleophysic dysplasia 2; Progeroid and marfanoid aspect-lipodystrophy syndrome. Last evaluated: 2021-09-14. Review status: criteria provided, single submitter. Criteria: ACMG Guidelines, 2015. Collection method: clinical testing. Allele origin: unknown.